The following is an entry in ClinVar:

NM_017514.5(PLXNA3):c.3992G>A (p.Arg1331His)

Gene: PLXNA3 (plexin A3; plus strand). Cytogenetic location: Xq28.
Variant type: single nucleotide variant.
Coding change: c.3992G>A on transcript NM_017514.5 (MANE Select); coding-DNA position 3992, G replaced by A.
Protein change: p.Arg1331His; replaces arginine 1331 with histidine.
Molecular consequence: missense variant.
Genome position (GRCh38, 1-based): chrX:154,468,331, G>A. VCF-style: chrX-154468331-G-A. GRCh37 (hg19) VCF-style: chrX-153696674-G-A.
Other names: short protein forms R1331H.
Identifiers: ClinVar variation 3349003 (VCV003349003.1).
Genomic context (GRCh38, chrX:154,468,331, plus strand): 5'-CCCCACCCTCTGAGACCTCCTGCTCCCCACAGACGCCACCCAACGTGGAGAAGGCCCTGC[G>A]CCTCTTCGGGCAGCTGCTGCACAGCCGCGCGTTCGTGCTTACCTTCATCCACACGCTGGA-3'
Protein context (NP_059984.3, residues 1321-1341): DTPPNVEKAL[Arg1331His]LFGQLLHSRA

ClinVar aggregate classification (germline): Uncertain significance (0 of 4 stars; one submission).

Conditions:
PLXNA3-related disorder. Also called: PLXNA3-related condition.

Submission:

PreventionGenetics, part of Exact Sciences
Classification: Uncertain significance for PLXNA3-related condition. Last evaluated: 2023-11-30. Review status: no assertion criteria provided. Collection method: clinical testing. Allele origin: germline.
Comment: The PLXNA3 c.3992G>A variant is predicted to result in the amino acid substitution p.Arg1331His. To our knowledge, this variant has not been reported in the literature. This variant is reported in 0.0038% of alleles in individuals of European (Non-Finnish) descent in gnomAD. At this time, the clinical significance of this variant is uncertain due to the absence of conclusive functional and genetic evidence.